The following is an entry in ClinVar:

NM_000448.3(RAG1):c.1871G>A (p.Arg624His)

Gene: RAG1 (recombination activating 1; plus strand). Cytogenetic location: 11p12.
Variant type: single nucleotide variant.
Coding change: c.1871G>A on transcript NM_000448.3 (MANE Select); coding-DNA position 1871, G replaced by A.
Protein change: p.Arg624His; replaces arginine 624 with histidine.
Molecular consequence: missense variant.
Genome position (GRCh38, 1-based): chr11:36,575,175, G>A. VCF-style: chr11-36575175-G-A. GRCh37 (hg19) VCF-style: chr11-36596725-G-A.
Other names: c.1871G>A, p.Arg624His (NM_001377277.1, NM_001377278.1, NM_001377279.1 and 1 more transcripts); short protein forms R624H.
Identifiers: ClinVar variation 68687 (VCV000068687.13), dbSNP rs199474680, ClinGen allele CA219818.

ClinVar aggregate classification (germline): Pathogenic/Likely pathogenic. Review status: criteria provided, multiple submitters, no conflicts (2 of 4 stars). 7 submissions from 7 submitters: Pathogenic (5); Likely pathogenic (1). 1 of the submissions does not count toward it. Last evaluated 2026-01-29.

Conditions:
RAG1-related disorder. Also called: RAG1-related condition; RAG1-related disorders.
Combined immunodeficiency with skin granulomas. Identifiers: Orphanet 157949, MedGen C2673536, MONDO:0009306, OMIM 233650.
Combined immunodeficiency due to partial RAG1 deficiency. Identifiers: Orphanet 231154, MedGen C1835931, MONDO:0012359, OMIM 609889.
Histiocytic medullary reticulosis. Also called: SEVERE COMBINED IMMUNODEFICIENCY WITH HYPEREOSINOPHILIA; Omenn syndrome. Identifiers: Orphanet 39041, MedGen C2700553, MONDO:0011338, OMIM 603554.
Severe combined immunodeficiency, autosomal recessive, T cell-negative, B cell-negative, NK cell-positive. Also called: SCID, AR, T-cell negative, B-cell negative, NK cell-positive; Severe combined immunodeficiency due to complete RAG1/2 deficiency; SCID, T CELL-NEGATIVE, B CELL-NEGATIVE, NK CELL-POSITIVE. Identifiers: Orphanet 331206, MedGen C1832322, MONDO:0011086, OMIM 601457.

Allele frequency attached by ClinVar (database versions not stated): gnomAD 0.00001; gnomAD exomes 0.00003 and 0.00004; TOPMed 0.00003; ExAC 0.00005.
gnomAD v4.1: 17 of 1,614,018 alleles (0.0011%); highest among the groups gnomAD compares: Admixed American, 0.0067%; no homozygotes.

Submissions (7):

Labcorp Genetics (formerly Invitae), Labcorp
Classification: Pathogenic for Combined immunodeficiency with skin granulomas; Severe combined immunodeficiency, autosomal recessive, T cell-negative, B cell-negative, NK cell-positive. Last evaluated: 2026-01-29. Review status: criteria provided, single submitter. Criteria: Invitae Variant Classification Sherloc (09022015). Collection method: clinical testing. Allele origin: germline.
Comment: This sequence change replaces arginine, which is basic and polar, with histidine, which is basic and polar, at codon 624 of the RAG1 protein (p.Arg624His). This variant is present in population databases (rs199474680, gnomAD 0.01%). This missense change has been observed in individual(s) with Omenn syndrome or severe combined immunodeficiency (PMID: 8810255, 11313270, 26476733, 27713031). In at least one individual the data is consistent with being in trans (on the opposite chromosome) from a pathogenic variant. ClinVar contains an entry for this variant (Variation ID: 68687). Invitae Evidence Modeling of protein sequence and biophysical properties (such as structural, functional, and spatial information, amino acid conservation, physicochemical variation, residue mobility, and thermodynamic stability) has been performed for this missense variant. However, the output from this modeling did not meet the statistical confidence thresholds required to predict the impact of this variant on RAG1 protein function. Experimental studies have shown that this missense change affects RAG1 function (PMID: 8810255, 24290284). For these reasons, this variant has been classified as Pathogenic.

Genomic Medicine Center of Excellence, King Faisal Specialist Hospital and Research Centre
Classification: Likely pathogenic for Severe combined immunodeficiency, autosomal recessive, T cell-negative, B cell-negative, NK cell-positive. Last evaluated: 2025-09-10. Review status: criteria provided, single submitter. Criteria: ACMG Guidelines, 2015. Collection method: clinical testing. Allele origin: germline.

Fulgent Genetics
Classification: Pathogenic for Combined immunodeficiency with skin granulomas; Severe combined immunodeficiency, autosomal recessive, T cell-negative, B cell-negative, NK cell-positive; Histiocytic medullary reticulosis; Combined immunodeficiency due to partial RAG1 deficiency. Last evaluated: 2023-12-26. Review status: criteria provided, single submitter. Criteria: ACMG Guidelines, 2015. Collection method: clinical testing. Allele origin: germline.

Baylor Genetics
Classification: Pathogenic for Combined immunodeficiency due to partial RAG1 deficiency. Last evaluated: 2023-08-18. Review status: criteria provided, single submitter. Criteria: ACMG Guidelines, 2015. Collection method: clinical testing. Allele origin: unknown.

Blueprint Genetics
Classification: Pathogenic for RAG1-related disorders. Last evaluated: 2021-03-26. Review status: criteria provided, single submitter. Criteria: ACMG Guidelines, 2015. Collection method: clinical testing. Allele origin: germline. Affected: yes. Observed: 2 variant alleles.

Juno Genomics, Hangzhou Juno Genomics, Inc
Classification: Pathogenic for Combined immunodeficiency due to partial RAG1 deficiency; Combined immunodeficiency with skin granulomas; Histiocytic medullary reticulosis; Severe combined immunodeficiency, autosomal recessive, T cell-negative, B cell-negative, NK cell-positive. Review status: criteria provided, single submitter. Criteria: ACMG Guidelines, 2015. Collection method: clinical testing. Allele origin: germline.
Comment: Absent from controls (or at extremely low frequency if recessive) in Genome Aggregation Database.;Multiple lines of computational evidence support a deleterious effect on the gene or gene product.;For recessive disorders, detected in trans with a pathogenic variant.;Patient's phenotype or family history is highly specific for a disease with a single genetic etiology.

UniProtKB/Swiss-Prot
No classification provided. Review status: no classification provided. Collection method: not provided. Allele origin: not provided. Not counted in ClinVar's aggregate classification.

Literature cited by the submitters: PubMed 8810255 (cited by Labcorp Genetics (formerly Invitae), Labcorp); PubMed 11313270 (cited by Labcorp Genetics (formerly Invitae), Labcorp); PubMed 26476733 (cited by Labcorp Genetics (formerly Invitae), Labcorp); PubMed 27713031 (cited by Labcorp Genetics (formerly Invitae), Labcorp); PubMed 24290284 (cited by Labcorp Genetics (formerly Invitae), Labcorp).